The following is an entry in ClinVar:

NM_000038.6(APC):c.2357G>T (p.Arg786Leu)

Gene: APC (APC regulator of Wnt signaling pathway; plus strand). Cytogenetic location: 5q22.2.
Variant type: single nucleotide variant.
Coding change: c.2357G>T on transcript NM_000038.6 (MANE Select); coding-DNA position 2357, G replaced by T.
Protein change: p.Arg786Leu; replaces arginine 786 with leucine.
Molecular consequence: missense variant.
Genome position (GRCh38, 1-based): chr5:112,837,951, G>T. VCF-style: chr5-112837951-G-T. GRCh37 (hg19) VCF-style: chr5-112173648-G-T.
Other names: c.2357G>T (NM_000038.5); c.2357G>T, p.Arg786Leu (NM_001127510.3, NM_001354895.2); c.2303G>T, p.Arg768Leu (NM_001127511.3); c.2411G>T, p.Arg804Leu (NM_001354896.2); c.2387G>T, p.Arg796Leu (NM_001354897.2); c.2282G>T, p.Arg761Leu (NM_001354898.2); c.2273G>T, p.Arg758Leu (NM_001354899.2); c.2234G>T, p.Arg745Leu (NM_001354900.2); and 6 more; short protein forms R660L, R685L, R768L, R804L, R758L, R796L, R745L, R786L.
Identifiers: ClinVar variation 1523162 (VCV001523162.7), dbSNP rs1554084088, ClinGen allele CA16026507.
Genomic context (GRCh38, chr5:112,837,951, plus strand): 5'-CTCAGCACTTATCAGAAACTTTTGACAATATAGACAATTTAAGTCCCAAGGCATCTCATC[G>T]TAGTAAGCAGAGACACAAGCAAAGTCTCTATGGTGATTATGTTTTTGACACCAATCGACA-3'
Protein context (NP_000029.2, residues 776-796): IDNLSPKASH[Arg786Leu]SKQRHKQSLY

ClinVar aggregate classification (germline): Uncertain significance. Review status: criteria provided, multiple submitters, no conflicts (2 of 4 stars). 2 submissions from 2 submitters: Uncertain significance (2). Last evaluated 2025-10-06.

Conditions:
Familial adenomatous polyposis 1 (FAP1). Also called: FAMILIAL ADENOMATOUS POLYPOSIS 1, ATTENUATED; POLYPOSIS, ADENOMATOUS INTESTINAL. Identifiers: MedGen C2713442, MONDO:0021056, OMIM 175100. Disease mechanism: loss of function.
Hereditary cancer-predisposing syndrome. Also called: Hereditary neoplastic syndrome; Hereditary Cancer Syndrome; Tumor predisposition; Neoplastic Syndromes, Hereditary. Identifiers: Orphanet 140162, MedGen C0027672, MeSH D009386, MONDO:0015356.

Submissions (2):

Ambry Genetics
Classification: Uncertain significance for Hereditary cancer-predisposing syndrome. Last evaluated: 2025-10-06. Review status: criteria provided, single submitter. Criteria: Ambry Variant Classification Scheme 2023. Collection method: clinical testing. Allele origin: germline.
Comment: The p.R786L variant (also known as c.2357G>T), located in coding exon 15 of the APC gene, results from a G to T substitution at nucleotide position 2357. The arginine at codon 786 is replaced by leucine, an amino acid with dissimilar properties. This amino acid position is conserved. In addition, in silico predictors for this gene do not accurately predict pathogenicity. Based on the available evidence, the clinical significance of this variant remains unclear.

Labcorp Genetics (formerly Invitae), Labcorp
Classification: Uncertain significance for Familial adenomatous polyposis 1. Last evaluated: 2021-11-09. Review status: criteria provided, single submitter. Criteria: Invitae Variant Classification Sherloc (09022015). Collection method: clinical testing. Allele origin: germline.
Comment: This variant has not been reported in the literature in individuals affected with APC-related conditions. Algorithms developed to predict the effect of missense changes on protein structure and function are either unavailable or do not agree on the potential impact of this missense change (SIFT: "Deleterious"; PolyPhen-2: "Benign"; Align-GVGD: "Class C15"). In summary, the available evidence is currently insufficient to determine the role of this variant in disease. Therefore, it has been classified as a Variant of Uncertain Significance. This variant is not present in population databases (gnomAD no frequency). This sequence change replaces arginine, which is basic and polar, with leucine, which is neutral and non-polar, at codon 786 of the APC protein (p.Arg786Leu).